The following is an entry in ClinVar:

ClinVar aggregate classification (germline): Likely benign (1 of 4 stars; one submission).

Allele frequency attached by ClinVar (database versions not stated): 1000 Genomes Project 0.00379; 1000 Genomes Project 30x 0.00437; TOPMed 0.00897; gnomAD 0.00985 and 0.01047.
gnomAD v4.1: 1,537 of 152,224 alleles (1%); highest among the groups gnomAD compares: Non-Finnish European, 1.4%; 8 homozygotes.

Submission:

GeneDx
Classification: Likely benign. Last evaluated: 2018-06-14. Review status: criteria provided, single submitter. Criteria: GeneDx Variant Classification (06012015). Collection method: clinical testing. Allele origin: germline. Affected: yes.
Comment: This variant is considered likely benign or benign based on one or more of the following criteria: it is a conservative change, it occurs at a poorly conserved position in the protein, it is predicted to be benign by multiple in silico algorithms, and/or has population frequency not consistent with disease.

NM_001330260.2(SCN8A):c.4227+225G>A

Gene: SCN8A (sodium voltage-gated channel alpha subunit 8; plus strand). Cytogenetic location: 12q13.13.
Variant type: single nucleotide variant.
Coding change: c.4227+225G>A on transcript NM_001330260.2 (MANE Select); 225 bases into the intron after coding-DNA position 4227, G replaced by A.
Molecular consequence: intron variant.
Genome position (GRCh38, 1-based): chr12:51,787,051, G>A. VCF-style: chr12-51787051-G-A. GRCh37 (hg19) VCF-style: chr12-52180835-G-A.
Other names: c.4227+225G>A (NM_014191.4); c.4104+225G>A (NM_001177984.3, NM_001369788.1).
Identifiers: ClinVar variation 670541 (VCV000670541.1), dbSNP rs117329304, ClinGen allele CA236328351.
Genomic context (GRCh38, chr12:51,787,051, plus strand): 5'-CCTGAGTATTCTCTGACTTCTACAAGATCTCACTCAAAGGAAATCTCTCATTGTGCTCAG[G>A]AACAGAGCTGTGCCCAGCAACAAATAAAGATTCCTGCAGTGTAATAAAGTGGCAGAGAGA-3'